The following is an entry in ClinVar:

ClinVar aggregate classification (germline): Likely benign. Review status: criteria provided, multiple submitters, no conflicts (2 of 4 stars). 6 submissions from 6 submitters: Likely benign (2). 4 of the submissions do not count toward it. Last evaluated 2023-09-29.

Conditions:
GNAS-related disorder. Identifiers: MedGen CN380105.
Pseudohypoparathyroidism type 1C (PHP1C). Also called: Pseudohypoparathyroidism Ic (PHP-Ic); PHP IC; PSEUDOHYPOPARATHYROIDISM, TYPE IC. Identifiers: Orphanet 79444, MedGen C2932716, MONDO:0012911, OMIM 612462.
Progressive osseous heteroplasia (POH). Also called: Osteoma cutis; Progressive Osseus Heteroplasia (POH); ECTOPIC OSSIFICATION, FAMILIAL; Osseus Heteroplasia, Progressive. Identifiers: Orphanet 2762, MedGen C0334041, MONDO:0008153, OMIM 166350, HP:0025027.
Pituitary adenoma 3, multiple types. Also called: PITUITARY ADENOMA 3, ACTH-SECRETING, SOMATIC; PITUITARY ADENOMA 3, GROWTH HORMONE-SECRETING, SOMATIC. Identifiers: MedGen C4540135, MONDO:0054665, OMIM 617686.
McCune-Albright syndrome (MAS). Also called: Albright's Syndrome; Albright's disease; Fibrous Dysplasia / McCune-Albright Syndrome; ALBRIGHT SYNDROME; McCune-Albright syndrome, somatic, mosaic. Identifiers: Orphanet 562, MedGen C0242292, MONDO:0018919, OMIM 174800.
Pseudohypoparathyroidism type 1B (PHP1B). Also called: Pseudohypoparathyroidism Ib (PHP-Ib); PHP IB; Pseudohypoparathyroidism Type IB. Identifiers: Orphanet 94089, MedGen C1864100, MONDO:0011301, OMIM 603233.
Pseudopseudohypoparathyroidism (PPHP). Also called: Pseudopseudohypoparathyroidism (PPHP); ALBRIGHT HEREDITARY OSTEODYSTROPHY WITHOUT MULTIPLE HORMONE RESISTANCE. Identifiers: Orphanet 79445, MedGen C0033835, MONDO:0012912, OMIM 612463.
ACTH-independent macronodular adrenal hyperplasia 1 (AIMAH1). Also called: CORTICOTROPIN-INDEPENDENT MACRONODULAR ADRENAL HYPERPLASIA; ACTH-INDEPENDENT MACRONODULAR ADRENOCORTICAL HYPERPLASIA; ACTH-independent macronodular adrenal hyperplasia, somatic; ADRENOCORTICOTROPIC HORMONE-INDEPENDENT MACRONODULAR ADRENAL HYPERPLASIA; CUSHING SYNDROME, ADRENAL, DUE TO AIMAH. Identifiers: MedGen C1857451, MONDO:0020735, OMIM 219080.
Pseudohypoparathyroidism type I A (PHP1A). Also called: Pseudohypoparathyroidism type 1A; Pseudohypoparathyroidism Ia (PHP-Ia); ALBRIGHT HEREDITARY OSTEODYSTROPHY WITH MULTIPLE HORMONE RESISTANCE; PHP IA; Pseudohypoparathyroidism Type IA. Identifiers: Orphanet 79443, MedGen C3494506, MONDO:0007078, OMIM 103580.

Allele frequency attached by ClinVar (database versions not stated): gnomAD 0.00005 and 0.00007; TOPMed 0.00008; gnomAD exomes 0.00009 and 0.00012; 1000 Genomes Project 30x 0.00031; 1000 Genomes Project 0.00040; ExAC 0.00048.
gnomAD v4.1: 129 of 1,535,354 alleles (0.0084%); highest among the groups gnomAD compares: Middle Eastern, 0.055%; no homozygotes.

Submissions (6):

Blueprint Genetics
Classification: Likely benign. Last evaluated: 2023-09-29. Review status: criteria provided, single submitter. Criteria: ACMG Guidelines, 2015. Collection method: clinical testing. Allele origin: germline.

Fulgent Genetics
Classification: Likely benign for Pseudohypoparathyroidism type I A; Progressive osseous heteroplasia; McCune-Albright syndrome; ACTH-independent macronodular adrenal hyperplasia 1; Pseudohypoparathyroidism type 1B; Pseudohypoparathyroidism type 1C; Pseudopseudohypoparathyroidism; Pituitary adenoma 3, multiple types. Last evaluated: 2021-09-22. Review status: criteria provided, single submitter. Criteria: ACMG Guidelines, 2015. Collection method: clinical testing. Allele origin: unknown.

PreventionGenetics, part of Exact Sciences
Classification: Uncertain significance for GNAS-related condition. Last evaluated: 2024-08-19. Review status: no assertion criteria provided. Collection method: clinical testing. Allele origin: germline. Not counted in ClinVar's aggregate classification.
Comment: The GNAS c.1462G>A variant is predicted to result in the amino acid substitution p.Ala488Thr. This variant is located in the pre-coding region of the primary GNAS transcript (NM_000516:c.-37000G>A). This variant has been reported in a healthy, ancestrally diverse cohort (Table S1, Bodian et al. 2014. PubMed ID: 24728327). This variant is reported in 0.022% of alleles in individuals of South Asian descent in gnomAD. Although we suspect this variant may be benign, at this time, the clinical significance is uncertain due to the absence of conclusive functional and genetic evidence.

ITMI
No classification provided. Condition: AllHighlyPenetrant. Last evaluated: 2013-09-19. Review status: no classification provided. Collection method: reference population. Allele origin: germline. Not counted in ClinVar's aggregate classification.
Comment: Please see associated publication for description of ethnicities

Clinical Genetics DNA and cytogenetics Diagnostics Lab, Erasmus MC, Erasmus Medical Center
Classification: Likely benign. Review status: no assertion criteria provided. Collection method: clinical testing. Allele origin: germline. Affected: yes. Study: VKGL Data-share Consensus. Not counted in ClinVar's aggregate classification.

Laboratory of Diagnostic Genome Analysis, Leiden University Medical Center (LUMC)
Classification: Likely benign. Review status: no assertion criteria provided. Collection method: clinical testing. Allele origin: germline. Affected: yes. Study: VKGL Data-share Consensus. Not counted in ClinVar's aggregate classification.

Literature cited by the submitters: PubMed 24728327 (cited by ITMI).

NM_080425.4(GNAS):c.1462G>A (p.Ala488Thr)

Gene: GNAS (GNAS complex locus; plus strand). Cytogenetic location: 20q13.32.
Variant type: single nucleotide variant.
Coding change: c.1462G>A on transcript NM_080425.4 (MANE Plus Clinical); coding-DNA position 1462, G replaced by A.
Protein change: p.Ala488Thr; replaces alanine 488 with threonine.
Molecular consequence: missense variant. On other transcripts: synonymous variant (2), intron variant (3), genic upstream transcript variant (1).
Genome position (GRCh38, 1-based): chr20:58,854,727, G>A. VCF-style: chr20-58854727-G-A. GRCh37 (hg19) VCF-style: chr20-57429782-G-A.
Other names: c.1275G>A, p.Ser425= (NM_001077490.3, NM_001309883.1); c.1462G>A, p.Ala488Thr (NM_001410913.1); c.*42+13841G>A (NM_016592.5); c.43+13841G>A (NM_001410912.1); c.-39+12852G>A (NM_001309861.2); c.1462G>A (NM_080425.3); c.-37000G>A (NM_000516.7); short protein forms A488T.
Identifiers: ClinVar variation 134496 (VCV000134496.10), dbSNP rs552813440, ClinGen allele CA159972.